The following is an entry in ClinVar:

NM_004551.3(NDUFS3):c.133+3_133+6del

Gene: NDUFS3 (NADH:ubiquinone oxidoreductase core subunit S3; plus strand). Cytogenetic location: 11p11.2.
Variant type: Deletion.
Coding change: c.133+3_133+6del on transcript NM_004551.3 (MANE Select); bases 3 to 6 of the intron after coding-DNA position 133, 4 bases deleted (GAGT; older notation c.133+3_133+6delGAGT).
Molecular consequence: splice donor variant.
Genome position (GRCh38, 1-based): chr11:47,579,337-47,579,340, GAGT deleted; deleting any 4 consecutive bases within chr11:47,579,335-47,579,340 gives the same sequence; the c. name uses the placement nearest the transcript's 3' end. VCF-style (leftmost placement, unchanged base first): chr11-47579334-CGTGA-C. GRCh37 (hg19) VCF-style: chr11-47600886-CGTGA-C.
Identifiers: ClinVar variation 1406925 (VCV001406925.4), dbSNP rs759140196, ClinGen allele CA5977813.

ClinVar aggregate classification (germline): Uncertain significance. Review status: criteria provided, multiple submitters, no conflicts (2 of 4 stars). 2 submissions from 2 submitters: Uncertain significance (2). Last evaluated 2023-07-07.

Conditions:
Mitochondrial complex I deficiency, nuclear type 8. Also called: Mitochondrial complex 1 deficiency, nuclear type 8. Identifiers: MedGen C4748766, MONDO:0032613, OMIM 618230.

Submissions (2):

Labcorp Genetics (formerly Invitae), Labcorp
Classification: Uncertain significance. Last evaluated: 2023-07-07. Review status: criteria provided, single submitter. Criteria: Invitae Variant Classification Sherloc (09022015). Collection method: clinical testing. Allele origin: germline.
Comment: This sequence change falls in intron 2 of the NDUFS3 gene. It does not directly change the encoded amino acid sequence of the NDUFS3 protein. It affects a nucleotide within the consensus splice site. This variant is present in population databases (rs759140196, gnomAD 0.03%). This variant has not been reported in the literature in individuals affected with NDUFS3-related conditions. ClinVar contains an entry for this variant (Variation ID: 1406925). Variants that disrupt the consensus splice site are a relatively common cause of aberrant splicing (PMID: 17576681, 9536098). Algorithms developed to predict the effect of sequence changes on RNA splicing suggest that this variant may disrupt the consensus splice site. In summary, the available evidence is currently insufficient to determine the role of this variant in disease. Therefore, it has been classified as a Variant of Uncertain Significance.

Baylor Genetics
Classification: Uncertain significance for Mitochondrial complex I deficiency, nuclear type 8. Last evaluated: 2022-05-31. Review status: criteria provided, single submitter. Criteria: ACMG Guidelines, 2015. Collection method: clinical testing. Allele origin: unknown.

Literature cited by the submitters: PubMed 17576681 (cited by Labcorp Genetics (formerly Invitae), Labcorp); PubMed 9536098 (cited by Labcorp Genetics (formerly Invitae), Labcorp).